The following is an entry in ClinVar:

NM_007294.4(BRCA1):c.3457C>G (p.Leu1153Val)

Genes: BRCA1 (BRCA1 DNA repair associated; minus strand), LOC126862571 (BRD4-independent group 4 enhancer GRCh37_chr17:41243136-41244335; plus strand). Cytogenetic location: 17q21.31.
Variant type: single nucleotide variant.
Coding change: c.3457C>G on transcript NM_007294.4 (MANE Select); coding-DNA position 3457, C replaced by G.
Protein change: p.Leu1153Val; replaces leucine 1153 with valine.
Molecular consequence: missense variant. On other transcripts: intron variant (135).
Genome position (GRCh38, 1-based): chr17:43,092,074, G>C on the plus strand (C>G on the coding strand, the complement: BRCA1 is on the minus strand). VCF-style: chr17-43092074-G-C. GRCh37 (hg19) VCF-style: chr17-41244091-G-C.
Other names: c.3244C>G, p.Leu1082Val (NM_001407571.1, NM_001407853.1, NM_001407894.1 and 9 more transcripts); c.3457C>G, p.Leu1153Val (NM_001407581.1, NM_001407582.1, NM_001407583.1 and 30 more transcripts); c.3454C>G, p.Leu1152Val (NM_001407587.1, NM_001407590.1, NM_001407591.1 and 22 more transcripts); c.3448C>G, p.Leu1150Val (NM_001407646.1, NM_001407647.1); c.3334C>G, p.Leu1112Val (NM_001407648.1, NM_001407664.1, NM_001407665.1 and 19 more transcripts); c.3331C>G, p.Leu1111Val (NM_001407649.1, NM_001407670.1, NM_001407671.1 and 11 more transcripts); c.3379C>G, p.Leu1127Val (NM_001407653.1, NM_001407654.1, NM_001407655.1 and 4 more transcripts); c.3376C>G, p.Leu1126Val (NM_001407659.1, NM_001407660.1, NM_001407661.1 and 1 more transcripts); and 41 more; short protein forms L1153V, L1106V, L1041V, L1083V, L1127V, L285V, L1026V, L1064V.
Identifiers: ClinVar variation 482918 (VCV000482918.11), dbSNP rs1555587658, ClinGen allele CA10595068.

ClinVar aggregate classification (germline): Conflicting classifications of pathogenicity. Review status: criteria provided, conflicting classifications (1 of 4 stars). 3 submissions from 3 submitters: Uncertain significance (2); Likely benign (1). Last evaluated 2025-10-01.

Conditions:
Hereditary breast ovarian cancer syndrome. Also called: Hereditary breast and ovarian cancer syndrome; Hereditary breast and ovarian cancer; Hereditary breast and ovarian cancer syndrome (HBOC); Breast and ovarian cancer; Hereditary breast and/or ovarian cancer syndrome; BRCA1- and BRCA2-Associated Hereditary Breast and Ovarian Cancer. Identifiers: Orphanet 145, MedGen C0677776, MeSH D061325, MONDO:0003582. Disease mechanism: loss of function.
Hereditary cancer-predisposing syndrome. Also called: Neoplastic Syndromes, Hereditary; Tumor predisposition; Hereditary Cancer Syndrome; Hereditary neoplastic syndrome. Identifiers: Orphanet 140162, MedGen C0027672, MeSH D009386, MONDO:0015356.

Submissions (3):

Labcorp Genetics (formerly Invitae), Labcorp
Classification: Uncertain significance for Hereditary breast ovarian cancer syndrome. Last evaluated: 2025-10-01. Review status: criteria provided, single submitter. Criteria: Invitae Variant Classification Sherloc (09022015). Collection method: clinical testing. Allele origin: germline.
Comment: This sequence change replaces leucine, which is neutral and non-polar, with valine, which is neutral and non-polar, at codon 1153 of the BRCA1 protein (p.Leu1153Val). This variant is not present in population databases (gnomAD no frequency). This variant has not been reported in the literature in individuals affected with BRCA1-related conditions. ClinVar contains an entry for this variant (Variation ID: 482918). Invitae Evidence Modeling of protein sequence and biophysical properties (such as structural, functional, and spatial information, amino acid conservation, physicochemical variation, residue mobility, and thermodynamic stability) indicates that this missense variant is expected to disrupt BRCA1 protein function with a positive predictive value of 80%. In summary, the available evidence is currently insufficient to determine the role of this variant in disease. Therefore, it has been classified as a Variant of Uncertain Significance.

Ambry Genetics
Classification: Uncertain significance for Hereditary cancer-predisposing syndrome. Last evaluated: 2025-04-24. Review status: criteria provided, single submitter. Criteria: Ambry Variant Classification Scheme 2023. Collection method: clinical testing. Allele origin: germline.
Comment: The p.L1153V variant (also known as c.3457C>G), located in coding exon 9 of the BRCA1 gene, results from a C to G substitution at nucleotide position 3457. The leucine at codon 1153 is replaced by valine, an amino acid with highly similar properties. This amino acid position is highly conserved in available vertebrate species. In addition, the in silico prediction for this alteration is inconclusive. Since supporting evidence is limited at this time, the clinical significance of this alteration remains unclear.

University of Washington Department of Laboratory Medicine, University of Washington
Classification: Likely benign for Hereditary cancer-predisposing syndrome. Last evaluated: 2023-03-23. Review status: criteria provided, single submitter. Criteria: Dines et al. (Genet Med. 2020). Collection method: curation. Allele origin: germline.
Comment: Missense variant in a coldspot region where missense variants are very unlikely to be pathogenic (PMID:31911673).

BRCA1 coldspot (exon 11 using historical exon numbering). Reclassification based on statistical prior probability